The following is an entry in ClinVar:

NC_000022.11:g.(?_23767364)_(23767982_?)del

Gene: CHCHD10 (coiled-coil-helix-coiled-coil-helix domain containing 10; minus strand). Cytogenetic location: 22q11.23.
Variant type: Deletion.
Identifiers: ClinVar variation 654106 (VCV000654106.1).

ClinVar aggregate classification (germline): Uncertain significance (1 of 4 stars; one submission).

Conditions:
Lower motor neuron syndrome with late-adult onset (SMAJ). Also called: Spinal muscular atrophy, Jokela type; Late-Onset Spinal Motor Neuronopathy (SMAJ). Identifiers: Orphanet 276435, MedGen C3554398, MONDO:0014025, OMIM 615048.
Frontotemporal dementia and/or amyotrophic lateral sclerosis 2. Also called: FTDALS2. Identifiers: Orphanet 275872, MedGen C4014648, MONDO:0014395, OMIM 615911.
Autosomal dominant mitochondrial myopathy with exercise intolerance (IMMD). Also called: Myopathy, isolated mitochondrial, autosomal dominant. Identifiers: Orphanet 457050, MedGen C4015513, MONDO:0014532, OMIM 616209.

Submission:

Labcorp Genetics (formerly Invitae), Labcorp
Classification: Uncertain significance for Spinal muscular atrophy, jokela type; Frontotemporal dementia and/or amyotrophic lateral sclerosis 2; Myopathy, isolated mitochondrial, autosomal dominant. Last evaluated: 2018-11-15. Review status: criteria provided, single submitter. Criteria: Invitae Variant Classification Sherloc (09022015). Collection method: clinical testing. Allele origin: germline.
Comment: This variant is a gross deletion of the genomic region encompassing exons 1-2 of the CHCHD10 gene, which includes the initiator codon. The 5' end of this event is unknown as it extends beyond the assayed region for this gene and therefore may encompass additional genes. The 3' boundary is likely confined to intron 2 of the CHCHD10 gene. This is expected to result in an absent or disrupted protein product. This deletion has not been reported in the literature in individuals with a CHCHD10-related disease. The current clinical and genetic evidence is not sufficient to establish whether loss-of-function variants in CHCHD10 cause disease. Therefore, this variant has been classified as a Variant of Uncertain Significance.